The following is an entry in ClinVar:

ClinVar aggregate classification (germline): Uncertain significance (1 of 4 stars; one submission).

Submission:

Women's Health and Genetics/Laboratory Corporation of America, LabCorp
Classification: Uncertain significance. Last evaluated: 2024-06-04. Review status: criteria provided, single submitter. Criteria: LabCorp Variant Classification Summary - May 2015. Collection method: clinical testing. Allele origin: germline.
Comment: Variant summary: The variant involves the duplication of exons 29-40 in the SBF2 gene. A presumed nomenclature of c.(3793+1_3794-1)_(*1751_?)dup has been designated for the purposes of this classification. The exact breakpoint at the 3' end of this variant is unknown, therefore this duplication may extend downstream of the annotated region of the gene. As it duplicates the termination codon, its effect on the encoded protein is unknown. No matching variant was found in 462883 control chromosomes in the gnomAD database (CNVs v4.1 dataset). The available data on variant occurrences in the general population are insufficient to allow any conclusion about variant significance. To our knowledge, no occurrence of c.(3793+1_3794-1)_(*1751_?)dup in individuals affected with Charcot-Marie Disease Type 4B2 and no experimental evidence demonstrating its impact on protein function have been reported. No submitters have cited clinical-significance assessments for this variant to ClinVar. Based on the evidence outlined above, the variant was classified as uncertain significance.

NC_000011.9:g.(?_9800214)_(9838572_9850902)dup

Gene: SBF2 (SET binding factor 2; minus strand). Cytogenetic location: 11p15.4.
Variant type: Duplication.
Identifiers: ClinVar variation 3339745 (VCV003339745.1).